The following is an entry in ClinVar:

ClinVar aggregate classification (germline): Uncertain significance (1 of 4 stars; one submission).

Submission:

GeneDx
Classification: Uncertain significance. Last evaluated: 2023-05-31. Review status: criteria provided, single submitter. Criteria: GeneDx Variant Classification Process June 2021. Collection method: clinical testing. Allele origin: germline. Affected: yes.
Comment: Not observed at significant frequency in large population cohorts (gnomAD); In silico analysis supports that this missense variant has a deleterious effect on protein structure/function; Has not been previously published as pathogenic or benign to our knowledge

NM_005334.3(HCFC1):c.1121G>A (p.Arg374His)

Gene: HCFC1 (host cell factor C1; minus strand). Cytogenetic location: Xq28.
Variant type: single nucleotide variant.
Coding change: c.1121G>A on transcript NM_005334.3 (MANE Select); coding-DNA position 1121, G replaced by A.
Protein change: p.Arg374His; replaces arginine 374 with histidine.
Molecular consequence: missense variant.
Genome position (GRCh38, 1-based): chrX:153,960,125, C>T on the plus strand (G>A on the coding strand, the complement: HCFC1 is on the minus strand). VCF-style: chrX-153960125-C-T. GRCh37 (hg19) VCF-style: chrX-153225576-C-T.
Other names: c.1121G>A, p.Arg374His (NM_001410705.1); short protein forms R374H.
Identifiers: ClinVar variation 3359497 (VCV003359497.1).